The following is an entry in ClinVar:

ClinVar aggregate classification (germline): Likely benign. Review status: criteria provided, multiple submitters, no conflicts (2 of 4 stars). 3 submissions from 3 submitters: Likely benign (3). Last evaluated 2026-01-11.

Conditions:
Porokeratosis 3, disseminated superficial actinic type (POROK3). Also called: POROKERATOSIS, DISSEMINATED SUPERFICIAL ACTINIC, 1; POROKERATOSIS 3, MULTIPLE TYPES; POROKERATOSIS 3, MIBELLI TYPE. Identifiers: MedGen C1867981, MONDO:0008293, OMIM 175900.
Hyperimmunoglobulin D with periodic fever (HIDS). Also called: HYPERIMMUNOGLOBULINEMIA D AND PERIODIC FEVER SYNDROME; Hyperimmunoglobulinemia D with periodic fever; Hyperimmunoglobulinemia D. Identifiers: Orphanet 343, MedGen C0398691, MONDO:0009849, OMIM 260920.
Mevalonic aciduria (MEVA). Identifiers: Orphanet 29, MedGen C1959626, MONDO:0012481, OMIM 610377.

Allele frequency attached by ClinVar (database versions not stated): gnomAD exomes 0.00002; gnomAD 0.00004; TOPMed 0.00004; ExAC 0.00008; 1000 Genomes Project 30x 0.00016; 1000 Genomes Project 0.00020.
gnomAD v4.1: 35 of 1,614,182 alleles (0.0022%); highest among the groups gnomAD compares: East Asian, 0.074%; no homozygotes.

Submissions (3):

Labcorp Genetics (formerly Invitae), Labcorp
Classification: Likely benign for Mevalonic aciduria; Hyperimmunoglobulin D with periodic fever; Porokeratosis 3, disseminated superficial actinic type. Last evaluated: 2026-01-11. Review status: criteria provided, single submitter. Criteria: Invitae Variant Classification Sherloc (09022015). Collection method: clinical testing. Allele origin: germline.

CeGaT Center for Human Genetics Tuebingen
Classification: Likely benign. Last evaluated: 2024-04-01. Review status: criteria provided, single submitter. Criteria: CeGaT Center For Human Genetics Tuebingen Variant Classification Criteria Version 2. Collection method: clinical testing. Allele origin: germline. Affected: yes. Observed: 1 variant allele.
Comment: MVK: BP4, BP7

Blueprint Genetics
Classification: Likely benign. Last evaluated: 2023-09-15. Review status: criteria provided, single submitter. Criteria: ACMG Guidelines, 2015. Collection method: clinical testing. Allele origin: germline.

NM_000431.4(MVK):c.670T>C (p.Leu224=)

Gene: MVK (mevalonate kinase; plus strand). Cytogenetic location: 12q24.11.
Variant type: single nucleotide variant.
Coding change: c.670T>C on transcript NM_000431.4 (MANE Select); coding-DNA position 670, T replaced by C.
Protein change: p.Leu224=; no amino-acid change (leucine 224 retained).
Molecular consequence: synonymous variant. On other transcripts: non-coding transcript variant (4).
Genome position (GRCh38, 1-based): chr12:109,586,792, T>C. VCF-style: chr12-109586792-T-C. GRCh37 (hg19) VCF-style: chr12-110024597-T-C.
Other names: c.670T>C, p.Leu224= (NM_001114185.3, NM_001414511.1, NM_001414512.1 and 1 more transcripts); c.514T>C, p.Leu172= (NM_001301182.2, NM_001414514.1); c.88T>C, p.Leu30= (NM_001414515.1).
Identifiers: ClinVar variation 2925086 (VCV002925086.24), dbSNP rs556971422, ClinGen allele CA6779330.